The following is an entry in ClinVar:

ClinVar aggregate classification (germline): Uncertain significance. Review status: criteria provided, single submitter (1 of 4 stars). 2 submissions from 2 submitters: Uncertain significance (1). 1 of the submissions does not count toward it. Last evaluated 2025-11-24.

Conditions:
Retinal dystrophy. Also called: Inherited retinal dystrophy. Identifiers: Orphanet 71862, MedGen C0854723, MeSH D058499, MONDO:0019118, HP:0000556.

Allele frequency attached by ClinVar (database versions not stated): gnomAD 0.00001; gnomAD exomes 0.00001 and 0.00002; TOPMed 0.00001; ExAC 0.00003.
gnomAD v4.1: 15 of 1,613,970 alleles (0.00093%); highest among the groups gnomAD compares: Middle Eastern, 0.016%; no homozygotes.

Submissions (2):

Labcorp Genetics (formerly Invitae), Labcorp
Classification: Uncertain significance. Last evaluated: 2025-11-24. Review status: criteria provided, single submitter. Criteria: Invitae Variant Classification Sherloc (09022015). Collection method: clinical testing. Allele origin: germline.
Comment: This sequence change replaces arginine, which is basic and polar, with cysteine, which is neutral and slightly polar, at codon 720 of the TUBGCP6 protein (p.Arg720Cys). This variant is present in population databases (rs201277381, gnomAD 0.004%). This variant has not been reported in the literature in individuals affected with TUBGCP6-related conditions. ClinVar contains an entry for this variant (Variation ID: 1407803). An algorithm developed to predict the effect of missense changes on protein structure and function (PolyPhen-2) suggests that this variant is likely to be disruptive. In summary, the available evidence is currently insufficient to determine the role of this variant in disease. Therefore, it has been classified as a Variant of Uncertain Significance.

Institute of Human Genetics, Univ. Regensburg, Univ. Regensburg
Classification: Uncertain significance for Retinal dystrophy. Last evaluated: 2023-01-01. Review status: no assertion criteria provided. Criteria: ACMG Guidelines, 2015. Collection method: clinical testing. Allele origin: germline. Affected: yes. Not counted in ClinVar's aggregate classification.

NM_020461.4(TUBGCP6):c.2158C>T (p.Arg720Cys)

Gene: TUBGCP6 (tubulin gamma complex component 6; minus strand). Cytogenetic location: 22q13.33.
Variant type: single nucleotide variant.
Coding change: c.2158C>T on transcript NM_020461.4 (MANE Select); coding-DNA position 2158, C replaced by T.
Protein change: p.Arg720Cys; replaces arginine 720 with cysteine.
Molecular consequence: missense variant.
Genome position (GRCh38, 1-based): chr22:50,224,253, G>A on the plus strand (C>T on the coding strand, the complement: TUBGCP6 is on the minus strand). VCF-style: chr22-50224253-G-A. GRCh37 (hg19) VCF-style: chr22-50662682-G-A.
Other names: short protein forms R720C.
Identifiers: ClinVar variation 1407803 (VCV001407803.10), dbSNP rs201277381, ClinGen allele CA10308324.